The following is an entry in ClinVar:

ClinVar aggregate classification (germline): Benign/Likely benign. Review status: criteria provided, multiple submitters, no conflicts (2 of 4 stars). 4 submissions from 4 submitters: Benign (2); Likely benign (1). 1 of the submissions does not count toward it. Last evaluated 2024-11-22.

Conditions:
OSMR-related disorder. Also called: OSMR-related condition.

Allele frequency attached by ClinVar (database versions not stated): 1000 Genomes Project 0.00060; 1000 Genomes Project 30x 0.00078; TOPMed 0.00360; ESP Exome Variant Server 0.00361.
gnomAD v4.1: 6,584 of 1,614,122 alleles (0.41%); highest among the groups gnomAD compares: Non-Finnish European, 0.47%; 20 homozygotes.

Submissions (4):

Blueprint Genetics
Classification: Likely benign. Last evaluated: 2024-11-22. Review status: criteria provided, single submitter. Criteria: ACMG Guidelines, 2015. Collection method: clinical testing. Allele origin: germline.

Labcorp Genetics (formerly Invitae), Labcorp
Classification: Benign. Last evaluated: 2018-07-06. Review status: criteria provided, single submitter. Criteria: Invitae Variant Classification Sherloc (09022015). Collection method: clinical testing. Allele origin: germline.

Breakthrough Genomics
Classification: Benign. Review status: criteria provided, single submitter. Criteria: ACMG Guidelines, 2015. Collection method: not provided. Allele origin: germline. Inheritance: Autosomal dominant inheritance. Affected: yes.

PreventionGenetics, part of Exact Sciences
Classification: Likely benign for OSMR-related condition. Last evaluated: 2020-06-08. Review status: no assertion criteria provided. Collection method: clinical testing. Allele origin: germline. Not counted in ClinVar's aggregate classification.
Comment: This variant is classified as likely benign based on ACMG/AMP sequence variant interpretation guidelines (Richards et al. 2015 PMID: 25741868, with internal and published modifications).

NM_003999.3(OSMR):c.2849C>A (p.Ala950Glu)

Gene: OSMR (oncostatin M receptor; plus strand). Cytogenetic location: 5p13.1.
Variant type: single nucleotide variant.
Coding change: c.2849C>A on transcript NM_003999.3 (MANE Select); coding-DNA position 2849, C replaced by A.
Protein change: p.Ala950Glu; replaces alanine 950 with glutamic acid.
Molecular consequence: missense variant.
Genome position (GRCh38, 1-based): chr5:38,933,353, C>A. VCF-style: chr5-38933353-C-A. GRCh37 (hg19) VCF-style: chr5-38933455-C-A.
Other names: c.2849C>A, p.Ala950Glu (NM_001323505.2); c.2852C>A, p.Ala951Glu (NM_001323506.2); short protein forms A951E, A950E.
Identifiers: ClinVar variation 716828 (VCV000716828.7), dbSNP rs142014556, ClinGen allele CA3244446.
Genomic context (GRCh38, chr5:38,933,353, plus strand): 5'-ACAGTCTCCCAACAAACCCAGTAGAGGCACCACACTGTTCAGAGTATAAAATGCAAATGG[C>A]AGTCTCCCTGCGTCTTGCCTTGCCTCCCCCGACCGAGAATAGCAGCCTCTCCTCAATTAC-3'
Protein context (NP_003990.1, residues 940-960): PHCSEYKMQM[Ala950Glu]VSLRLALPPP